The following is an entry in ClinVar:

ClinVar aggregate classification (germline): Uncertain significance (1 of 4 stars; one submission).

Conditions:
Inborn genetic diseases. Identifiers: MedGen C0950123, MeSH D030342.

Submission:

Ambry Genetics
Classification: Uncertain significance for Inborn genetic diseases. Last evaluated: 2025-02-05. Review status: criteria provided, single submitter. Criteria: Ambry Variant Classification Scheme 2023. Collection method: clinical testing. Allele origin: germline.
Comment: The p.V145L variant (also known as c.433G>T), located in coding exon 3 of the MBD4 gene, results from a G to T substitution at nucleotide position 433. The valine at codon 145 is replaced by leucine, an amino acid with highly similar properties. This amino acid position is not well conserved in available vertebrate species. In addition, the in silico prediction for this alteration is inconclusive. Based on the available evidence, the clinical significance of this variant remains unclear.

NM_001276270.2(MBD4):c.433G>T (p.Val145Leu)

Gene: MBD4 (methyl-CpG binding domain 4, DNA glycosylase; minus strand). Cytogenetic location: 3q21.3.
Variant type: single nucleotide variant.
Coding change: c.433G>T on transcript NM_001276270.2 (MANE Select); coding-DNA position 433, G replaced by T.
Protein change: p.Val145Leu; replaces valine 145 with leucine.
Molecular consequence: missense variant. On other transcripts: intron variant (1).
Genome position (GRCh38, 1-based): chr3:129,437,211, C>A on the plus strand (G>T on the coding strand, the complement: MBD4 is on the minus strand). VCF-style: chr3-129437211-C-A. GRCh37 (hg19) VCF-style: chr3-129156054-C-A.
Other names: c.433G>T, p.Val145Leu (NM_001276271.2, NM_001276272.2, NM_003925.3); c.247+597G>T (NM_001276273.2); short protein forms V145L.
Identifiers: ClinVar variation 3870908 (VCV003870908.1).